The following is an entry in ClinVar:

ClinVar aggregate classification (germline): Uncertain significance. Review status: criteria provided, multiple submitters, no conflicts (2 of 4 stars). 4 submissions from 4 submitters: Uncertain significance (2). 2 of the submissions do not count toward it. Last evaluated 2025-10-13.

Conditions:
GDF6-related disorder. Also called: GDF6-related condition.
Leber congenital amaurosis 17 (LCA17). Identifiers: Orphanet 65, MedGen C3715164, MONDO:0014145, OMIM 615360.
Klippel-Feil syndrome 1, autosomal dominant (KFS1). Also called: CERVICAL VERTEBRAL FUSION, AUTOSOMAL DOMINANT. Identifiers: Orphanet 2345, MedGen C1861689, MONDO:0007306, OMIM 118100.
Microphthalmia, isolated, with coloboma 6 (MCOPCB6). Also called: Microphthalmia with coloboma 6, digenic; Microphthalmia with coloboma 6; MICROPHTHALMIA/COLOBOMA 6. Identifiers: Orphanet 98938, MedGen C3150968, MONDO:0013376, OMIM 613703.
Isolated microphthalmia 4. Identifiers: Orphanet 2542, MedGen C2751307, MONDO:0013130, OMIM 613094.

Allele frequency attached by ClinVar (database versions not stated): gnomAD exomes 0.00003 and 0.00006; ExAC 0.00005; gnomAD 0.00005; TOPMed 0.00005.
gnomAD v4.1: 90 of 1,613,924 alleles (0.0056%); highest among the groups gnomAD compares: Non-Finnish European, 0.0072%; no homozygotes.

Submissions (4):

PreventionGenetics, part of Exact Sciences
Classification: Uncertain significance for GDF6-related condition. Last evaluated: 2025-10-13. Review status: criteria provided, single submitter. Criteria: ACMG Guidelines, 2015. Collection method: clinical testing. Allele origin: germline.
Comment: The GDF6 c.1322A>G variant is predicted to result in the amino acid substitution p.Tyr441Cys. To our knowledge, this variant has not been reported in the literature. This variant is present in 0.0047% of alleles in individuals of European (Non-Finnish) descent in gnomAD. At this time, the clinical significance of this variant is uncertain due to the absence of conclusive functional and genetic evidence.

Labcorp Genetics (formerly Invitae), Labcorp
Classification: Uncertain significance for Isolated microphthalmia 4; Leber congenital amaurosis 17; Klippel-Feil syndrome 1, autosomal dominant; Microphthalmia, isolated, with coloboma 6. Last evaluated: 2025-02-17. Review status: criteria provided, single submitter. Criteria: Invitae Variant Classification Sherloc (09022015). Collection method: clinical testing. Allele origin: germline.
Comment: This sequence change replaces tyrosine, which is neutral and polar, with cysteine, which is neutral and slightly polar, at codon 441 of the GDF6 protein (p.Tyr441Cys). This variant is present in population databases (rs752600101, gnomAD 0.005%). This variant has not been reported in the literature in individuals affected with GDF6-related conditions. ClinVar contains an entry for this variant (Variation ID: 1043780). Invitae Evidence Modeling of protein sequence and biophysical properties (such as structural, functional, and spatial information, amino acid conservation, physicochemical variation, residue mobility, and thermodynamic stability) indicates that this missense variant is expected to disrupt GDF6 protein function with a positive predictive value of 80%. In summary, the available evidence is currently insufficient to determine the role of this variant in disease. Therefore, it has been classified as a Variant of Uncertain Significance.

Diagnostic Laboratory, Department of Genetics, University Medical Center Groningen
Classification: Uncertain significance. Review status: no assertion criteria provided. Collection method: clinical testing. Allele origin: germline. Affected: yes. Study: VKGL Data-share Consensus. Not counted in ClinVar's aggregate classification.

Laboratory of Diagnostic Genome Analysis, Leiden University Medical Center (LUMC)
Classification: Uncertain significance. Review status: no assertion criteria provided. Collection method: clinical testing. Allele origin: germline. Affected: yes. Study: VKGL Data-share Consensus. Not counted in ClinVar's aggregate classification.

NM_001001557.4(GDF6):c.1322A>G (p.Tyr441Cys)

Gene: GDF6 (growth differentiation factor 6; minus strand). Cytogenetic location: 8q22.1.
Variant type: single nucleotide variant.
Coding change: c.1322A>G on transcript NM_001001557.4 (MANE Select); coding-DNA position 1322, A replaced by G.
Protein change: p.Tyr441Cys; replaces tyrosine 441 with cysteine.
Molecular consequence: missense variant.
Genome position (GRCh38, 1-based): chr8:96,144,609, T>C on the plus strand (A>G on the coding strand, the complement: GDF6 is on the minus strand). VCF-style: chr8-96144609-T-C. GRCh37 (hg19) VCF-style: chr8-97156837-T-C.
Other names: c.1322A>G (NM_001001557.3); short protein forms Y441C.
Identifiers: ClinVar variation 1043780 (VCV001043780.11), dbSNP rs752600101, ClinGen allele CA4815338.